The following is an entry in ClinVar:

NM_001281956.2(CSMD2):c.6755G>A (p.Arg2252Gln)

Gene: CSMD2 (CUB and Sushi multiple domains 2; minus strand). Cytogenetic location: 1p35.1.
Variant type: single nucleotide variant.
Coding change: c.6755G>A on transcript NM_001281956.2 (MANE Select); coding-DNA position 6755, G replaced by A.
Protein change: p.Arg2252Gln; replaces arginine 2252 with glutamine.
Molecular consequence: missense variant.
Genome position (GRCh38, 1-based): chr1:33,600,966, C>T on the plus strand (G>A on the coding strand, the complement: CSMD2 is on the minus strand). VCF-style: chr1-33600966-C-T. GRCh37 (hg19) VCF-style: chr1-34066566-C-T.
Other names: c.6761G>A, p.Arg2254Gln (NM_052896.5); short protein forms R2252Q, R2254Q.
Identifiers: ClinVar variation 2638626 (VCV002638626.24), dbSNP rs140769172, ClinGen allele CA751489.

ClinVar aggregate classification (germline): Likely benign (1 of 4 stars; one submission).

Allele frequency attached by ClinVar (database versions not stated): 1000 Genomes Project 30x 0.00031; gnomAD 0.00254; TOPMed 0.00254; ExAC 0.00279; ESP Exome Variant Server 0.00369; gnomAD exomes 0.00413.
gnomAD v4.1: 6,400 of 1,614,096 alleles (0.4%); highest among the groups gnomAD compares: Non-Finnish European, 0.5%; 12 homozygotes.

Submission:

CeGaT Center for Human Genetics Tuebingen
Classification: Likely benign. Last evaluated: 2022-08-01. Review status: criteria provided, single submitter. Criteria: CeGaT Center For Human Genetics Tuebingen Variant Classification Criteria Version 2. Collection method: clinical testing. Allele origin: germline. Affected: yes. Observed: 1 variant allele.
Comment: CSMD2: BP4, BS2